The following is an entry in ClinVar:

ClinVar aggregate classification (germline): Uncertain significance (1 of 4 stars; one submission).

Submission:

GeneDx
Classification: Uncertain significance. Last evaluated: 2021-09-16. Review status: criteria provided, single submitter. Criteria: GeneDx Variant Classification Process June 2021. Collection method: clinical testing. Allele origin: germline. Affected: yes.
Comment: Not observed in large population cohorts (Lek et al., 2016); In silico analysis supports that this missense variant has a deleterious effect on protein structure/function; Has not been previously published as pathogenic or benign to our knowledge

NM_021614.4(KCNN2):c.1207A>G (p.Arg403Gly)

Gene: KCNN2 (potassium calcium-activated channel subfamily N member 2; plus strand). Cytogenetic location: 5q22.3.
Variant type: single nucleotide variant.
Coding change: c.1207A>G on transcript NM_021614.4 (MANE Select); coding-DNA position 1207, A replaced by G.
Protein change: p.Arg403Gly; replaces arginine 403 with glycine.
Molecular consequence: missense variant.
Genome position (GRCh38, 1-based): chr5:114,363,990, A>G. VCF-style: chr5-114363990-A-G. GRCh37 (hg19) VCF-style: chr5-113699687-A-G.
Other names: c.1405A>G, p.Arg469Gly (NM_001372233.1); short protein forms R403G, R469G.
Identifiers: ClinVar variation 1302424 (VCV001302424.2), dbSNP rs138572352, ClinGen allele CA360704208.